The following is an entry in ClinVar:

NM_001943.5(DSG2):c.2002G>C (p.Val668Leu)

Genes: DSG2 (desmoglein 2; plus strand), DSG2-AS1 (DSG2 antisense RNA 1; minus strand). Cytogenetic location: 18q12.1.
Variant type: single nucleotide variant.
Coding change: c.2002G>C on transcript NM_001943.5 (MANE Select); coding-DNA position 2002, G replaced by C.
Protein change: p.Val668Leu; replaces valine 668 with leucine.
Molecular consequence: missense variant.
Genome position (GRCh38, 1-based): chr18:31,542,520, G>C. VCF-style: chr18-31542520-G-C. GRCh37 (hg19) VCF-style: chr18-29122483-G-C.
Other names: short protein forms V668L.
Identifiers: ClinVar variation 4870114 (VCV004870114.1).

ClinVar aggregate classification (germline): Uncertain significance (1 of 4 stars; one submission).

Conditions:
Cardiovascular phenotype. Identifiers: MedGen CN230736.

Submission:

Ambry Genetics
Classification: Uncertain significance for Cardiovascular phenotype. Last evaluated: 2026-06-09. Review status: criteria provided, single submitter. Criteria: Ambry Variant Classification Scheme 2023. Collection method: clinical testing. Allele origin: germline.
Comment: The p.V668L variant (also known as c.2002G>C) is located in coding exon 14 of the DSG2 gene. The valine at codon 668 is replaced by leucine, an amino acid with highly similar properties. This change occurs in the first base pair of coding exon 14. This amino acid position is conserved. In addition, this alteration is predicted to be tolerated by in silico analysis. Based on the available evidence, the clinical significance of this variant remains unclear.